The following is an entry in ClinVar:

NM_006517.5(SLC16A2):c.105_116dup (p.34EP[7])

Gene: SLC16A2 (solute carrier family 16 member 2; plus strand). Cytogenetic location: Xq13.2.
Variant type: Duplication.
Coding change: c.105_116dup on transcript NM_006517.5 (MANE Select); coding-DNA positions 105 to 116, 12 bases duplicated (GGAGCCTGAGCC).
Protein change: p.34EP[7].
Molecular consequence: inframe insertion.
Genome position (GRCh38, 1-based): chrX:74,421,742-74,421,753, GGAGCCTGAGCC duplicated; duplicating any 12 consecutive bases within chrX:74,421,735-74,421,753 gives the same sequence; the c. name uses the placement nearest the transcript's 3' end. VCF-style (leftmost placement, unchanged base first): chrX-74421734-T-TCTGAGCCGGAGC. GRCh37 (hg19) VCF-style: chrX-73641569-T-TCTGAGCCGGAGC.
Identifiers: ClinVar variation 1310274 (VCV001310274.4), dbSNP rs2147833881, ClinGen allele CA2573055399.

ClinVar aggregate classification (germline): Uncertain significance. Review status: criteria provided, multiple submitters, no conflicts (2 of 4 stars). 2 submissions from 2 submitters: Uncertain significance (2). Last evaluated 2024-02-08.

Conditions:
Spastic paraplegia. Identifiers: MedGen C0037772, HP:0001258.

Submissions (2):

Labcorp Genetics (formerly Invitae), Labcorp
Classification: Uncertain significance for Spastic paraplegia. Last evaluated: 2024-02-08. Review status: criteria provided, single submitter. Criteria: Invitae Variant Classification Sherloc (09022015). Collection method: clinical testing. Allele origin: germline.
Comment: This variant, c.105_116dup, results in the insertion of 4 amino acid(s) of the SLC16A2 protein (p.Glu40_Pro43dup), but otherwise preserves the integrity of the reading frame. This variant is not present in population databases (gnomAD no frequency). This variant has not been reported in the literature in individuals affected with SLC16A2-related conditions. ClinVar contains an entry for this variant (Variation ID: 1310274). In summary, the available evidence is currently insufficient to determine the role of this variant in disease. Therefore, it has been classified as a Variant of Uncertain Significance.

GeneDx
Classification: Uncertain significance. Last evaluated: 2019-11-04. Review status: criteria provided, single submitter. Criteria: GeneDx Variant Classification Process June 2021. Collection method: clinical testing. Allele origin: germline. Affected: yes.
Comment: In-frame insertion of 4 amino acids in a non-repeat region; Has not been previously published as pathogenic or benign to our knowledge